The following is an entry in ClinVar:

ClinVar aggregate classification (germline): Uncertain significance (1 of 4 stars; one submission).

Allele frequency attached by ClinVar (database versions not stated): gnomAD exomes 0.00001; TOPMed 0.00001.
gnomAD v4.1: 11 of 1,614,026 alleles (0.00068%); highest among the groups gnomAD compares: Non-Finnish European, 0.00093%; no homozygotes.

Submission:

Labcorp Genetics (formerly Invitae), Labcorp
Classification: Uncertain significance. Last evaluated: 2024-04-16. Review status: criteria provided, single submitter. Criteria: Invitae Variant Classification Sherloc (09022015). Collection method: clinical testing. Allele origin: germline.
Comment: This sequence change replaces alanine, which is neutral and non-polar, with valine, which is neutral and non-polar, at codon 915 of the ASH1L protein (p.Ala915Val). This variant is not present in population databases (gnomAD no frequency). This variant has not been reported in the literature in individuals affected with ASH1L-related conditions. An algorithm developed to predict the effect of missense changes on protein structure and function (PolyPhen-2) suggests that this variant is likely to be tolerated. In summary, the available evidence is currently insufficient to determine the role of this variant in disease. Therefore, it has been classified as a Variant of Uncertain Significance.

NM_018489.3(ASH1L):c.2744C>T (p.Ala915Val)

Gene: ASH1L (ASH1 like histone lysine methyltransferase; minus strand). Cytogenetic location: 1q22.
Variant type: single nucleotide variant.
Coding change: c.2744C>T on transcript NM_018489.3 (MANE Select); coding-DNA position 2744, C replaced by T.
Protein change: p.Ala915Val; replaces alanine 915 with valine.
Molecular consequence: missense variant.
Genome position (GRCh38, 1-based): chr1:155,480,126, G>A on the plus strand (C>T on the coding strand, the complement: ASH1L is on the minus strand). VCF-style: chr1-155480126-G-A. GRCh37 (hg19) VCF-style: chr1-155449917-G-A.
Other names: c.2744C>T, p.Ala915Val (NM_001366177.2); short protein forms A915V.
Identifiers: ClinVar variation 2696366 (VCV002696366.3), dbSNP rs939657824, ClinGen allele CA342722331.